The following is an entry in ClinVar:

ClinVar aggregate classification (germline): Uncertain significance (1 of 4 stars; one submission).

Conditions:
Marfan syndrome (MFS). Also called: MARFAN SYNDROME, TYPE I; Marfan syndrome type 1; Marfan's syndrome; Marfan syndrome, classic; FBN1-Related Marfan Syndrome. Identifiers: Orphanet 284963, Orphanet 558, MedGen C0024796, MONDO:0007947, OMIM 154700.

Allele frequency attached by ClinVar (database versions not stated): gnomAD exomes below 0.00001.
gnomAD v4.1: 1 of 1,613,396 alleles (0.000062%); highest among the groups gnomAD compares: Non-Finnish European, 0.000085%; no homozygotes.

Submission:

All of Us Research Program, National Institutes of Health
Classification: Uncertain significance for Marfan syndrome. Last evaluated: 2023-11-20. Review status: criteria provided, single submitter. Criteria: ACMG Guidelines, 2015. Collection method: clinical testing. Allele origin: germline. Inheritance: Autosomal dominant inheritance. Observed: 1 variant allele, 1 heterozygote.
Comment: This missense variant replaces proline with alanine at codon 2435 of the FBN1 protein. Computational prediction suggests that this variant may not impact protein structure and function (internally defined REVEL score threshold <= 0.5, PMID: 27666373). To our knowledge, functional studies have not been reported for this variant. This variant has not been reported in individuals affected with FBN1-related disorders in the literature. This variant has not been identified in the general population by the Genome Aggregation Database (gnomAD). The available evidence is insufficient to determine the role of this variant in disease conclusively. Therefore, this variant is classified as a Variant of Uncertain Significance.

This study involves interpretation of variants in research participants for the purpose of population health screening. Participant phenotype was not available at the time of variant classification. Additional details can be found in publication PMID: 35346344, PMCID: PMC8962531

NM_000138.5(FBN1):c.7303C>G (p.Pro2435Ala)

Gene: FBN1 (fibrillin 1; minus strand). Cytogenetic location: 15q21.1.
Variant type: single nucleotide variant.
Coding change: c.7303C>G on transcript NM_000138.5 (MANE Select); coding-DNA position 7303, C replaced by G.
Protein change: p.Pro2435Ala; replaces proline 2435 with alanine.
Molecular consequence: missense variant.
Genome position (GRCh38, 1-based): chr15:48,425,766, G>C on the plus strand (C>G on the coding strand, the complement: FBN1 is on the minus strand). VCF-style: chr15-48425766-G-C. GRCh37 (hg19) VCF-style: chr15-48717963-G-C.
Other names: c.7303C>G, p.Pro2435Ala (NM_001406716.1); short protein forms P2435A.
Identifiers: ClinVar variation 3074610 (VCV003074610.1), dbSNP rs1184775982, ClinGen allele CA392328534.